The following is an entry in ClinVar:

ClinVar aggregate classification (germline): Uncertain significance (1 of 4 stars; one submission).

Submission:

Labcorp Genetics (formerly Invitae), Labcorp
Classification: Uncertain significance. Last evaluated: 2025-09-15. Review status: criteria provided, single submitter. Criteria: Invitae Variant Classification Sherloc (09022015). Collection method: clinical testing. Allele origin: germline.
Comment: This sequence change falls in intron 15 of the CTNNA1 gene. It does not directly change the encoded amino acid sequence of the CTNNA1 protein. This variant is not present in population databases (gnomAD no frequency). This variant has not been reported in the literature in individuals affected with CTNNA1-related conditions. Experimental studies and prediction algorithms are not available or were not evaluated, and the effect of this variant on mRNA splicing is currently unknown. In summary, the available evidence is currently insufficient to determine the role of this variant in disease. Therefore, it has been classified as a Variant of Uncertain Significance.

NM_001903.5(CTNNA1):c.2165_2193-46dup

Gene: CTNNA1 (catenin alpha 1; plus strand). Cytogenetic location: 5q31.2.
Variant type: Duplication.
Coding change: c.2165_2193-46dup on transcript NM_001903.5 (MANE Select); coding-DNA position 2165 through 46 bases into the intron before coding-DNA position 2193, 158 bases duplicated.
Molecular consequence: splice donor variant.
Genome position (GRCh38, 1-based): chr5:138,930,627-138,930,784, 158 bases duplicated. GRCh37 (hg19): chr5:138,266,316-138,266,473.
Other names: c.1055_1083-46dup (NM_001323988.1, NM_001323997.1, NM_001323992.1 and 17 more transcripts); c.716_744-46dup (NM_001324006.1, NM_001324008.1, NM_001324007.1 and 2 more transcripts); c.962_990-46dup (NM_001324011.1); c.2165_2193-46dup (NM_001323982.2, NM_001323984.2, NM_001290307.3 and 2 more transcripts); c.2072_2100-46dup (NM_001323986.2); c.1796_1824-46dup (NM_001290310.3); c.1856_1884-46dup (NM_001290309.3); c.812_840-46dup (NM_001324013.1, NM_001324012.1).
Identifiers: ClinVar variation 3649594 (VCV003649594.2).